The following is an entry in ClinVar:

NM_017934.7(PHIP):c.4828+4_4828+8del

Genes: IRAK1BP1 (interleukin 1 receptor associated kinase 1 binding protein 1; plus strand), PHIP (PHIP subunit of CUL4-Ring ligase complex; minus strand). Cytogenetic location: 6q14.1.
Variant type: Microsatellite.
Coding change: c.4828+4_4828+8del on transcript NM_017934.7 (MANE Select); bases 4 to 8 of the intron after coding-DNA position 4828, 5 bases deleted (AGGTA; older notation c.4828+4_4828+8delAGGTA).
Molecular consequence: splice donor variant.
Genome position (GRCh38, 1-based): chr6:78,945,292-78,945,296, TACCT deleted on the plus strand (AGGTA on the coding strand, the reverse complement: PHIP is on the minus strand); deleting any 5 consecutive bases within chr6:78,945,292-78,945,302 gives the same sequence; the c. name uses the placement nearest the transcript's 3' end. VCF-style (leftmost placement, unchanged base first): chr6-78945291-ATACCT-A. GRCh37 (hg19) VCF-style: chr6-79655008-ATACCT-A.
Identifiers: ClinVar variation 1994320 (VCV001994320.5), dbSNP rs1773741869, ClinGen allele CA1090911286.

ClinVar aggregate classification (germline): Uncertain significance. Review status: criteria provided, multiple submitters, no conflicts (2 of 4 stars). 2 submissions from 2 submitters: Uncertain significance (2). Last evaluated 2023-05-22.

Submissions (2):

GeneDx
Classification: Uncertain significance. Last evaluated: 2023-05-22. Review status: criteria provided, single submitter. Criteria: GeneDx Variant Classification Process June 2021. Collection method: clinical testing. Allele origin: germline. Affected: yes.
Comment: Not observed at significant frequency in large population cohorts (gnomAD); In silico analysis is inconclusive as to whether the variant alters gene splicing. In the absence of RNA/functional studies, the actual effect of this sequence change is unknown.; Has not been previously published as pathogenic or benign to our knowledge

Labcorp Genetics (formerly Invitae), Labcorp
Classification: Uncertain significance. Last evaluated: 2022-06-06. Review status: criteria provided, single submitter. Criteria: Invitae Variant Classification Sherloc (09022015). Collection method: clinical testing. Allele origin: germline.
Comment: This sequence change falls in intron 39 of the PHIP gene. It does not directly change the encoded amino acid sequence of the PHIP protein. It affects a nucleotide within the consensus splice site. This variant is not present in population databases (gnomAD no frequency). This variant has not been reported in the literature in individuals affected with PHIP-related conditions. Variants that disrupt the consensus splice site are a relatively common cause of aberrant splicing (PMID: 17576681, 9536098). Algorithms developed to predict the effect of sequence changes on RNA splicing suggest that this variant is not likely to affect RNA splicing. In summary, the available evidence is currently insufficient to determine the role of this variant in disease. Therefore, it has been classified as a Variant of Uncertain Significance.

Literature cited by the submitters: PubMed 17576681 (cited by Labcorp Genetics (formerly Invitae), Labcorp); PubMed 9536098 (cited by Labcorp Genetics (formerly Invitae), Labcorp).